The following is an entry in ClinVar:

ClinVar aggregate classification (germline): Pathogenic (1 of 4 stars; one submission).

Conditions:
X-linked intellectual disability, Cantagrel type (XLID98). Also called: INTELLECTUAL DEVELOPMENTAL DISORDER, X-LINKED 98. Identifiers: Orphanet 85277, MedGen C3806730, MONDO:0010483, OMIM 300912.

Submission:

Center for Human Genetics and Genomic Medicine, Uniklinik Rwth Aachen
Classification: Pathogenic for X-linked intellectual disability, Cantagrel type. Last evaluated: 2022-07-26. Review status: criteria provided, single submitter. Criteria: ACMG Guidelines, 2015. Collection method: clinical testing. Allele origin: de novo. Inheritance: X-linked inheritance. Affected: yes. Observed: 1 heterozygote.
Comment: The detected change has not yet been reported in the relevant databases (dbSNP151, gnomAD, ClinVar) or in the literature. In the case of stop or nonsense variants in a gene that matches the phenotype in which loss of function changes represent a known mechanism, there is a high probability of pathogenetic relevance. The variant is currently to be regarded as a "pathogenic variant" (ACMG criteria).

NM_001008537.3(NEXMIF):c.2860C>T (p.Gln954Ter)

Gene: NEXMIF (neurite extension and migration factor; minus strand). Cytogenetic location: Xq13.3.
Variant type: single nucleotide variant.
Coding change: c.2860C>T on transcript NM_001008537.3 (MANE Select); coding-DNA position 2860, C replaced by T.
Protein change: p.Gln954Ter; replaces glutamine 954 with a stop codon.
Molecular consequence: nonsense.
Genome position (GRCh38, 1-based): chrX:74,741,697, G>A on the plus strand (C>T on the coding strand, the complement: NEXMIF is on the minus strand). VCF-style: chrX-74741697-G-A. GRCh37 (hg19) VCF-style: chrX-73961532-G-A.
Other names: short protein forms Q954*.
Identifiers: ClinVar variation 1697970 (VCV001697970.2), dbSNP rs2080104580, ClinGen allele CA413667271.